The following is an entry in ClinVar:

NM_020975.6(RET):c.1600C>G (p.Leu534Val)

Gene: RET (ret proto-oncogene; plus strand). Cytogenetic location: 10q11.21.
Variant type: single nucleotide variant.
Coding change: c.1600C>G on transcript NM_020975.6 (MANE Select); coding-DNA position 1600, C replaced by G.
Protein change: p.Leu534Val; replaces leucine 534 with valine.
Molecular consequence: missense variant.
Genome position (GRCh38, 1-based): chr10:43,112,176, C>G. VCF-style: chr10-43112176-C-G. GRCh37 (hg19) VCF-style: chr10-43607624-C-G.
Other names: c.1600C>G, p.Leu534Val (NM_000323.2, NM_001406743.1, NM_001406744.1 and 6 more transcripts); c.838C>G, p.Leu280Val (NM_001355216.2); c.1471C>G, p.Leu491Val (NM_001406761.1, NM_001406762.1, NM_001406764.1 and 1 more transcripts); c.1312C>G, p.Leu438Val (NM_001406766.1, NM_001406767.1, NM_001406770.1); c.1204C>G, p.Leu402Val (NM_001406769.1, NM_001406772.1); c.1162C>G, p.Leu388Val (NM_001406771.1, NM_001406773.1); c.1075C>G, p.Leu359Val (NM_001406774.1); c.874C>G, p.Leu292Val (NM_001406775.1, NM_001406776.1, NM_001406777.1 and 1 more transcripts); and 5 more; short protein forms L192V, L280V, L402V, L438V, L534V, L139V, L204V, L292V.
Identifiers: ClinVar variation 1776170 (VCV001776170.4), dbSNP rs779380912, ClinGen allele CA376550637.

ClinVar aggregate classification (germline): Uncertain significance. Review status: criteria provided, multiple submitters, no conflicts (2 of 4 stars). 2 submissions from 2 submitters: Uncertain significance (2). Last evaluated 2023-11-15.

Conditions:
Multiple endocrine neoplasia, type 2 (MEN2). Identifiers: Orphanet 653, MedGen C4048306, MONDO:0019003. Disease mechanism: gain of function.
Hereditary cancer-predisposing syndrome. Also called: Neoplastic Syndromes, Hereditary; Tumor predisposition; Hereditary Cancer Syndrome; Hereditary neoplastic syndrome. Identifiers: Orphanet 140162, MedGen C0027672, MeSH D009386, MONDO:0015356.

Submissions (2):

Ambry Genetics
Classification: Uncertain significance for Hereditary cancer-predisposing syndrome. Last evaluated: 2023-11-15. Review status: criteria provided, single submitter. Criteria: Ambry Variant Classification Scheme 2023. Collection method: clinical testing. Allele origin: germline.
Comment: The p.L534V variant (also known as c.1600C>G), located in coding exon 8 of the RET gene, results from a C to G substitution at nucleotide position 1600. The leucine at codon 534 is replaced by valine, an amino acid with highly similar properties. This amino acid position is highly conserved in available vertebrate species. In addition, the in silico prediction for this alteration is inconclusive. Since supporting evidence is limited at this time, the clinical significance of this alteration remains unclear.

Labcorp Genetics (formerly Invitae), Labcorp
Classification: Uncertain significance for Multiple endocrine neoplasia, type 2. Last evaluated: 2021-08-28. Review status: criteria provided, single submitter. Criteria: Invitae Variant Classification Sherloc (09022015). Collection method: clinical testing. Allele origin: germline.
Comment: This sequence change replaces leucine with valine at codon 534 of the RET protein (p.Leu534Val). The leucine residue is highly conserved and there is a small physicochemical difference between leucine and valine. This variant is not present in population databases (ExAC no frequency). This variant has not been reported in the literature in individuals affected with RET-related conditions. Algorithms developed to predict the effect of missense changes on protein structure and function are either unavailable or do not agree on the potential impact of this missense change (SIFT: "Deleterious"; PolyPhen-2: "Benign"; Align-GVGD: "Class C25"). In summary, the available evidence is currently insufficient to determine the role of this variant in disease. Therefore, it has been classified as a Variant of Uncertain Significance.